The following is an entry in ClinVar:

NM_000165.5(GJA1):c.380T>C (p.Leu127Ser)

Gene: GJA1 (gap junction protein alpha 1; plus strand). Cytogenetic location: 6q22.31.
Variant type: single nucleotide variant.
Coding change: c.380T>C on transcript NM_000165.5 (MANE Select); coding-DNA position 380, T replaced by C.
Protein change: p.Leu127Ser; replaces leucine 127 with serine.
Molecular consequence: missense variant.
Genome position (GRCh38, 1-based): chr6:121,447,227, T>C. VCF-style: chr6-121447227-T-C. GRCh37 (hg19) VCF-style: chr6-121768373-T-C.
Other names: short protein forms L127S.
Identifiers: ClinVar variation 3348299 (VCV003348299.1).
Genomic context (GRCh38, chr6:121,447,227, plus strand): 5'-ACAAGAAAGAGGAAGAACTCAAGGTTGCCCAAACTGATGGTGTCAATGTGGACATGCACT[T>C]GAAGCAGATTGAGATAAAGAAGTTCAAGTACGGTATTGAAGAGCATGGTAAGGTGAAAAT-3'
Protein context (NP_000156.1, residues 117-137): QTDGVNVDMH[Leu127Ser]KQIEIKKFKY

ClinVar aggregate classification (germline): Uncertain significance (0 of 4 stars; one submission).

Conditions:
GJA1-related disorder. Also called: GJA1-related condition.

Submission:

PreventionGenetics, part of Exact Sciences
Classification: Uncertain significance for GJA1-related condition. Last evaluated: 2024-09-23. Review status: no assertion criteria provided. Collection method: clinical testing. Allele origin: germline.
Comment: The GJA1 c.380T>C variant is predicted to result in the amino acid substitution p.Leu127Ser. To our knowledge, this variant has not been reported in the literature or in a large population database, indicating this variant is rare. At this time, the clinical significance of this variant is uncertain due to the absence of conclusive functional and genetic evidence.